The following is an entry in ClinVar:

NM_020166.5(MCCC1):c.2171C>T (p.Ser724Leu)

Gene: MCCC1 (methylcrotonyl-CoA carboxylase subunit 1; minus strand). Cytogenetic location: 3q27.1.
Variant type: single nucleotide variant.
Coding change: c.2171C>T on transcript NM_020166.5 (MANE Select); coding-DNA position 2171, C replaced by T.
Protein change: p.Ser724Leu; replaces serine 724 with leucine.
Molecular consequence: missense variant. On other transcripts: non-coding transcript variant (2).
Genome position (GRCh38, 1-based): chr3:183,015,445, G>A on the plus strand (C>T on the coding strand, the complement: MCCC1 is on the minus strand). VCF-style: chr3-183015445-G-A. GRCh37 (hg19) VCF-style: chr3-182733233-G-A.
Other names: c.1820C>T, p.Ser607Leu (NM_001293273.2); c.1844C>T, p.Ser615Leu (NM_001363880.1); short protein forms S724L, S607L, S615L.
Identifiers: ClinVar variation 344302 (VCV000344302.18), dbSNP rs201806708, ClinGen allele CA2718545.

ClinVar aggregate classification (germline): Conflicting classifications of pathogenicity. Review status: criteria provided, conflicting classifications (1 of 4 stars). 4 submissions from 4 submitters: Uncertain significance (2); Likely benign (1). 1 of the submissions does not count toward it. Last evaluated 2026-01-12.

Conditions:
3-methylcrotonyl-CoA carboxylase 1 deficiency (MCC1D). Also called: MCCD TYPE 1; METHYLCROTONYLGLYCINURIA TYPE I; MCC 1 deficiency; 3 Alpha methylcrotonylglycinuria 1. Identifiers: Orphanet 6, MedGen CN028786, MONDO:0008861, OMIM 210200.

Allele frequency attached by ClinVar (database versions not stated): TOPMed 0.00015; 1000 Genomes Project 30x 0.00016; gnomAD exomes 0.00019 and 0.00027; 1000 Genomes Project 0.00020; ExAC 0.00020; gnomAD 0.00020 and 0.00021; ESP Exome Variant Server 0.00038.
gnomAD v4.1: 335 of 1,614,102 alleles (0.021%); highest among the groups gnomAD compares: Admixed American, 0.018%; no homozygotes.

Submissions (4):

Labcorp Genetics (formerly Invitae), Labcorp
Classification: Likely benign for 3-methylcrotonyl-CoA carboxylase 1 deficiency. Last evaluated: 2026-01-12. Review status: criteria provided, single submitter. Criteria: Invitae Variant Classification Sherloc (09022015). Collection method: clinical testing. Allele origin: germline.

GeneDx
Classification: Uncertain significance. Last evaluated: 2020-12-01. Review status: criteria provided, single submitter. Criteria: GeneDx Variant Classification Process June 2021. Collection method: clinical testing. Allele origin: germline. Affected: yes.
Comment: Missense variants in this gene are often considered pathogenic (Stenson et al., 2014); In silico analysis supports that this missense variant does not alter protein structure/function; Has not been previously published as pathogenic or benign to our knowledge

Illumina Laboratory Services, Illumina
Classification: Uncertain significance for 3-methylcrotonyl-CoA carboxylase 1 deficiency. Last evaluated: 2018-01-13. Review status: criteria provided, single submitter. Criteria: ICSL Variant Classification Criteria 13 December 2019. Collection method: clinical testing. Allele origin: germline.

Natera, Inc.
Classification: Uncertain significance for 3-methylcrotonyl-CoA carboxylase 1 deficiency. Last evaluated: 2020-12-10. Review status: no assertion criteria provided. Collection method: clinical testing. Allele origin: germline. Not counted in ClinVar's aggregate classification.